The following is an entry in ClinVar:

ClinVar aggregate classification (germline): Uncertain significance. Review status: criteria provided, multiple submitters, no conflicts (2 of 4 stars). 2 submissions from 2 submitters: Uncertain significance (2). Last evaluated 2022-05-25.

Submissions (2):

Labcorp Genetics (formerly Invitae), Labcorp
Classification: Uncertain significance. Last evaluated: 2022-05-25. Review status: criteria provided, single submitter. Criteria: Invitae Variant Classification Sherloc (09022015). Collection method: clinical testing. Allele origin: germline.
Comment: This sequence change replaces glycine, which is neutral and non-polar, with glutamic acid, which is acidic and polar, at codon 82 of the ALPL protein (p.Gly82Glu). This variant is not present in population databases (gnomAD no frequency). This variant has not been reported in the literature in individuals affected with ALPL-related conditions. ClinVar contains an entry for this variant (Variation ID: 1306477). Advanced modeling of protein sequence and biophysical properties (such as structural, functional, and spatial information, amino acid conservation, physicochemical variation, residue mobility, and thermodynamic stability) performed at Invitae indicates that this missense variant is expected to disrupt ALPL protein function. In summary, the available evidence is currently insufficient to determine the role of this variant in disease. Therefore, it has been classified as a Variant of Uncertain Significance.

GeneDx
Classification: Uncertain significance. Last evaluated: 2019-06-13. Review status: criteria provided, single submitter. Criteria: GeneDx Variant Classification Process June 2021. Collection method: clinical testing. Allele origin: germline. Affected: yes.
Comment: Not observed in large population cohorts (Lek et al., 2016); In silico analysis, which includes protein predictors and evolutionary conservation, supports a deleterious effect; Has not been previously published as pathogenic or benign to our knowledge

NM_000478.6(ALPL):c.245G>A (p.Gly82Glu)

Gene: ALPL (alkaline phosphatase, biomineralization associated; plus strand). Cytogenetic location: 1p36.12.
Variant type: single nucleotide variant.
Coding change: c.245G>A on transcript NM_000478.6 (MANE Select); coding-DNA position 245, G replaced by A.
Protein change: p.Gly82Glu; replaces glycine 82 with glutamic acid.
Molecular consequence: missense variant. On other transcripts: intron variant (1).
Genome position (GRCh38, 1-based): chr1:21,561,160, G>A. VCF-style: chr1-21561160-G-A. GRCh37 (hg19) VCF-style: chr1-21887653-G-A.
Other names: c.80G>A, p.Gly27Glu (NM_001127501.4); c.245G>A, p.Gly82Glu (NM_001369803.2, NM_001369804.2, NM_001369805.2); c.66+415G>A (NM_001177520.3); short protein forms G27E, G82E.
Identifiers: ClinVar variation 1306477 (VCV001306477.3), dbSNP rs2148152529, ClinGen allele CA338878061.
Genomic context (GRCh38, chr1:21,561,160, plus strand): 5'-TGGGTGTCTCCACAGTGACGGCTGCCCGCATCCTCAAGGGTCAGCTCCACCACAACCCTG[G>A]GGAGGAGACCAGGCTGGAGATGGACAAGTTCCCCTTCGTGGCCCTCTCCAAGGTGAGCCC-3'
Protein context (NP_000469.3, residues 72-92): ILKGQLHHNP[Gly82Glu]EETRLEMDKF